The following is an entry in ClinVar:

ClinVar aggregate classification (germline): Likely pathogenic (1 of 4 stars; one submission).

Allele frequency attached by ClinVar (database versions not stated): gnomAD exomes below 0.00001 and 0.00001.
gnomAD v4.1: 3 of 1,614,070 alleles (0.00019%); highest among the groups gnomAD compares: Admixed American, 0.0033%; no homozygotes.

Submission:

Labcorp Genetics (formerly Invitae), Labcorp
Classification: Likely pathogenic. Last evaluated: 2025-04-28. Review status: criteria provided, single submitter. Criteria: Invitae Variant Classification Sherloc (09022015). Collection method: clinical testing. Allele origin: germline.
Comment: This sequence change replaces serine, which is neutral and polar, with phenylalanine, which is neutral and non-polar, at codon 278 of the PDE6C protein (p.Ser278Phe). This variant is present in population databases (no rsID available, gnomAD 0.006%). This missense change has been observed in individuals with PDE6C-related conditions (PMID: 35119454; internal data). ClinVar contains an entry for this variant (Variation ID: 1512689). Invitae Evidence Modeling of protein sequence and biophysical properties (such as structural, functional, and spatial information, amino acid conservation, physicochemical variation, residue mobility, and thermodynamic stability) indicates that this missense variant is expected to disrupt PDE6C protein function with a positive predictive value of 95%. In summary, the currently available evidence indicates that the variant is pathogenic, but additional data are needed to prove that conclusively. Therefore, this variant has been classified as Likely Pathogenic.

Literature cited by the submitters: PubMed 35119454.

NM_006204.4(PDE6C):c.833C>T (p.Ser278Phe)

Gene: PDE6C (phosphodiesterase 6C; plus strand). Cytogenetic location: 10q23.33.
Variant type: single nucleotide variant.
Coding change: c.833C>T on transcript NM_006204.4 (MANE Select); coding-DNA position 833, C replaced by T.
Protein change: p.Ser278Phe; replaces serine 278 with phenylalanine.
Molecular consequence: missense variant.
Genome position (GRCh38, 1-based): chr10:93,622,041, C>T. VCF-style: chr10-93622041-C-T. GRCh37 (hg19) VCF-style: chr10-95381798-C-T.
Other names: short protein forms S278F.
Identifiers: ClinVar variation 1512689 (VCV001512689.8), dbSNP rs1344288054, ClinGen allele CA377628928.